The following is an entry in ClinVar:

NM_199355.4(ADAMTS18):c.1508A>G (p.Gln503Arg)

Gene: ADAMTS18 (ADAM metallopeptidase with thrombospondin type 1 motif 18; minus strand). Cytogenetic location: 16q23.1.
Variant type: single nucleotide variant.
Coding change: c.1508A>G on transcript NM_199355.4 (MANE Select); coding-DNA position 1508, A replaced by G.
Protein change: p.Gln503Arg; replaces glutamine 503 with arginine.
Molecular consequence: missense variant.
Genome position (GRCh38, 1-based): chr16:77,353,839, T>C on the plus strand (A>G on the coding strand, the complement: ADAMTS18 is on the minus strand). VCF-style: chr16-77353839-T-C. GRCh37 (hg19) VCF-style: chr16-77387736-T-C.
Other names: c.992A>G, p.Gln331Arg (NM_001326358.2); c.1508A>G (NM_199355.2); short protein forms Q331R, Q503R.
Identifiers: ClinVar variation 1040607 (VCV001040607.8), dbSNP rs139220565, ClinGen allele CA8181286.

ClinVar aggregate classification (germline): Uncertain significance. Review status: criteria provided, multiple submitters, no conflicts (2 of 4 stars). 2 submissions from 2 submitters: Uncertain significance (2). Last evaluated 2026-01-12.

Conditions:
Inborn genetic diseases. Identifiers: MedGen C0950123, MeSH D030342.

Allele frequency attached by ClinVar (database versions not stated): TOPMed 0.00007; gnomAD 0.00009; gnomAD exomes 0.00009; ExAC 0.00010; ESP Exome Variant Server 0.00023.
gnomAD v4.1: 184 of 1,614,174 alleles (0.011%); highest among the groups gnomAD compares: Non-Finnish European, 0.015%; no homozygotes.

Submissions (3):

Labcorp Genetics (formerly Invitae), Labcorp
Classification: Uncertain significance. Last evaluated: 2026-01-12. Review status: criteria provided, single submitter. Criteria: Invitae Variant Classification Sherloc (09022015). Collection method: clinical testing. Allele origin: germline.
Comment: This sequence change replaces glutamine, which is neutral and polar, with arginine, which is basic and polar, at codon 503 of the ADAMTS18 protein (p.Gln503Arg). This variant is present in population databases (rs139220565, gnomAD 0.02%). This variant has not been reported in the literature in individuals affected with ADAMTS18-related conditions. ClinVar contains an entry for this variant (Variation ID: 1040607). An algorithm developed to predict the effect of missense changes on protein structure and function (PolyPhen-2) suggests that this variant is likely to be tolerated. In summary, the available evidence is currently insufficient to determine the role of this variant in disease. Therefore, it has been classified as a Variant of Uncertain Significance.

Ambry Genetics
Classification: Uncertain significance for Inborn genetic diseases. Last evaluated: 2024-08-14. Review status: criteria provided, single submitter. Criteria: Ambry Variant Classification Scheme 2023. Collection method: clinical testing. Allele origin: germline.

Dr. Peter K. Rogan Lab, Western University
No classification provided (evidence only). Condition: Gastric cancer. Review status: no classification provided. Collection method: in vitro. Allele origin: not applicable. Functional consequence: retained intron. Not counted in ClinVar's aggregate classification.